The following is an entry in ClinVar:

NM_020297.4(ABCC9):c.2609C>T (p.Thr870Ile)

Gene: ABCC9 (ATP binding cassette subfamily C member 9; minus strand). Cytogenetic location: 12p12.1.
Variant type: single nucleotide variant.
Coding change: c.2609C>T on transcript NM_020297.4 (MANE Select); coding-DNA position 2609, C replaced by T.
Protein change: p.Thr870Ile; replaces threonine 870 with isoleucine.
Molecular consequence: missense variant.
Genome position (GRCh38, 1-based): chr12:21,852,402, G>A on the plus strand (C>T on the coding strand, the complement: ABCC9 is on the minus strand). VCF-style: chr12-21852402-G-A. GRCh37 (hg19) VCF-style: chr12-22005336-G-A.
Other names: c.2609C>T, p.Thr870Ile (NM_001377273.1, NM_005691.4); c.1742C>T, p.Thr581Ile (NM_001377274.1); short protein forms T581I, T870I.
Identifiers: ClinVar variation 1045974 (VCV001045974.9), dbSNP rs1945015087, ClinGen allele CA384125363.
Genomic context (GRCh38, chr12:21,852,402, plus strand): 5'-AGCAAAATTCTCTTCTAAACTCTTACCCAGTCAGCATGCGTCAGATACTGTAATTTGTGA[G>A]TCACAAGAACGAGTGTCCTTTTGTCATCTTGCAGGAATTTCAAAATCCCCTCCTGCATTA-3'
Protein context (NP_064693.2, residues 860-880): QDDKRTLVLV[Thr870Ile]HKLQYLTHAD

ClinVar aggregate classification (germline): Uncertain significance. Review status: criteria provided, multiple submitters, no conflicts (2 of 4 stars). 2 submissions from 2 submitters: Uncertain significance (2). Last evaluated 2023-06-22.

Conditions:
Dilated cardiomyopathy 1O (CMD1O). Also called: CARDIOMYOPATHY, DILATED, WITH VENTRICULAR TACHYCARDIA. Identifiers: Orphanet 154, MedGen C1837839, MONDO:0012062, OMIM 608569.

Allele frequency attached by ClinVar (database versions not stated): gnomAD exomes below 0.00001.
gnomAD v4.1: 1 of 1,613,920 alleles (0.000062%); highest among the groups gnomAD compares: Non-Finnish European, 0.000085%; no homozygotes.

Submissions (2):

Clinical Genetics Laboratory, Skane University Hospital Lund
Classification: Uncertain significance. Last evaluated: 2023-06-22. Review status: criteria provided, single submitter. Criteria: ACMG Guidelines, 2015. Collection method: clinical testing. Allele origin: germline. Affected: yes.

Labcorp Genetics (formerly Invitae), Labcorp
Classification: Uncertain significance for Dilated cardiomyopathy 1O. Last evaluated: 2022-09-13. Review status: criteria provided, single submitter. Criteria: Invitae Variant Classification Sherloc (09022015). Collection method: clinical testing. Allele origin: germline.
Comment: This variant is not present in population databases (gnomAD no frequency). This variant has not been reported in the literature in individuals affected with ABCC9-related conditions. ClinVar contains an entry for this variant (Variation ID: 1045974). Advanced modeling of protein sequence and biophysical properties (such as structural, functional, and spatial information, amino acid conservation, physicochemical variation, residue mobility, and thermodynamic stability) performed at Invitae indicates that this missense variant is expected to disrupt ABCC9 protein function. In summary, the available evidence is currently insufficient to determine the role of this variant in disease. Therefore, it has been classified as a Variant of Uncertain Significance. This sequence change replaces threonine, which is neutral and polar, with isoleucine, which is neutral and non-polar, at codon 870 of the ABCC9 protein (p.Thr870Ile).